The following is an entry in ClinVar:

NM_005215.4(DCC):c.3779A>G (p.Gln1260Arg)

Gene: DCC (DCC netrin 1 receptor; plus strand). Cytogenetic location: 18q21.2.
Variant type: single nucleotide variant.
Coding change: c.3779A>G on transcript NM_005215.4 (MANE Select); coding-DNA position 3779, A replaced by G.
Protein change: p.Gln1260Arg; replaces glutamine 1260 with arginine.
Molecular consequence: missense variant.
Genome position (GRCh38, 1-based): chr18:53,486,839, A>G. VCF-style: chr18-53486839-A-G. GRCh37 (hg19) VCF-style: chr18-51013209-A-G.
Other names: short protein forms Q1260R.
Identifiers: ClinVar variation 1308083 (VCV001308083.2), dbSNP rs752012468, ClinGen allele CA8967638.

ClinVar aggregate classification (germline): Uncertain significance (1 of 4 stars; one submission).

Allele frequency attached by ClinVar (database versions not stated): gnomAD 0.00003 and 0.00004; TOPMed 0.00003; ExAC 0.00004; gnomAD exomes 0.00007.
gnomAD v4.1: 110 of 1,614,046 alleles (0.0068%); highest among the groups gnomAD compares: Non-Finnish European, 0.0088%; no homozygotes.

Submission:

GeneDx
Classification: Uncertain significance. Last evaluated: 2019-08-23. Review status: criteria provided, single submitter. Criteria: GeneDx Variant Classification Process June 2021. Collection method: clinical testing. Allele origin: germline. Affected: yes.
Comment: In silico analysis, which includes protein predictors and evolutionary conservation, supports that this variant does not alter protein structure/function; Has not been previously published as pathogenic or benign to our knowledge